The following is an entry in ClinVar:

NM_001375.3(DNASE2):c.510G>A (p.Met170Ile)

Gene: DNASE2 (deoxyribonuclease 2, lysosomal; minus strand). Cytogenetic location: 19p13.13.
Variant type: single nucleotide variant.
Coding change: c.510G>A on transcript NM_001375.3 (MANE Select); coding-DNA position 510, G replaced by A.
Protein change: p.Met170Ile; replaces methionine 170 with isoleucine.
Molecular consequence: missense variant.
Genome position (GRCh38, 1-based): chr19:12,878,671, C>T on the plus strand (G>A on the coding strand, the complement: DNASE2 is on the minus strand). VCF-style: chr19-12878671-C-T. GRCh37 (hg19) VCF-style: chr19-12989485-C-T.
Other names: c.510G>A (NM_001375.2); short protein forms M170I.
Identifiers: ClinVar variation 1374279 (VCV001374279.7), dbSNP rs765996726, ClinGen allele CA9233767.

ClinVar aggregate classification (germline): Conflicting classifications of pathogenicity. Review status: criteria provided, conflicting classifications (1 of 4 stars). 2 submissions from 2 submitters: Uncertain significance (1); Likely benign (1). Last evaluated 2021-06-18.

Allele frequency attached by ClinVar (database versions not stated): gnomAD exomes below 0.00001; TOPMed below 0.00001; ExAC 0.00001; gnomAD 0.00001.

Submissions (2):

Ambry Genetics
Classification: Likely benign. Last evaluated: 2021-06-18. Review status: criteria provided, single submitter. Criteria: Ambry Variant Classification Scheme 2023. Collection method: clinical testing. Allele origin: germline.

Labcorp Genetics (formerly Invitae), Labcorp
Classification: Uncertain significance. Last evaluated: 2021-05-17. Review status: criteria provided, single submitter. Criteria: Invitae Variant Classification Sherloc (09022015). Collection method: clinical testing. Allele origin: germline.
Comment: In summary, the available evidence is currently insufficient to determine the role of this variant in disease. Therefore, it has been classified as a Variant of Uncertain Significance. Algorithms developed to predict the effect of sequence changes on RNA splicing suggest that this variant may create or strengthen a splice site, but this prediction has not been confirmed by published transcriptional studies. Algorithms developed to predict the effect of missense changes on protein structure and function output the following: SIFT: "Tolerated"; PolyPhen-2: "Benign"; Align-GVGD: "Class C0". The isoleucine amino acid residue is found in multiple mammalian species, suggesting that this missense change does not adversely affect protein function. These predictions have not been confirmed by published functional studies and their clinical significance is uncertain. This variant has not been reported in the literature in individuals with DNASE2-related conditions. This variant is present in population databases (rs765996726, ExAC 0.006%). This sequence change replaces methionine with isoleucine at codon 170 of the DNASE2 protein (p.Met170Ile). The methionine residue is weakly conserved and there is a small physicochemical difference between methionine and isoleucine.